The following is an entry in ClinVar:

NM_014384.3(ACAD8):c.*277C>T

Gene: ACAD8 (acyl-CoA dehydrogenase family member 8; plus strand). Cytogenetic location: 11q25.
Variant type: single nucleotide variant.
Coding change: c.*277C>T on transcript NM_014384.3 (MANE Select); 277 bases downstream of the stop codon, C replaced by T.
Molecular consequence: 3 prime UTR variant.
Genome position (GRCh38, 1-based): chr11:134,265,237, C>T. VCF-style: chr11-134265237-C-T. GRCh37 (hg19) VCF-style: chr11-134135131-C-T.
Identifiers: ClinVar variation 303689 (VCV000303689.7), dbSNP rs75645586, ClinGen allele CA10637925.
Genomic context (GRCh38, chr11:134,265,237, plus strand): 5'-CAGAAGAACACATACTACCTTGTTTTCCTAATGCCAGAAGGGTGACCAGTGAAGATTCAC[C>T]GTCAAACCATGAAAGTCCTTTCTTGGATCCACTTTATCTTGATTAGTCTGCATTTTACTA-3'

ClinVar aggregate classification (germline): Benign. Review status: criteria provided, multiple submitters, no conflicts (2 of 4 stars). 3 submissions from 3 submitters: Benign (3). Last evaluated 2021-06-18.

Conditions:
Deficiency of isobutyryl-CoA dehydrogenase. Also called: ACYL-CoA DEHYDROGENASE FAMILY, MEMBER 8, DEFICIENCY OF; IBD DEFICIENCY; ACAD8 DEFICIENCY. Identifiers: Orphanet 79159, MedGen C1969809, MONDO:0012648, OMIM 611283.

Allele frequency attached by ClinVar (database versions not stated): gnomAD exomes 0.00573; gnomAD 0.04358 and 0.04668; 1000 Genomes Project 0.04613; 1000 Genomes Project 30x 0.04950; TOPMed 0.05044.

Submissions (3):

GeneDx
Classification: Benign. Last evaluated: 2021-06-18. Review status: criteria provided, single submitter. Criteria: GeneDx Variant Classification Process June 2021. Collection method: clinical testing. Allele origin: germline. Affected: yes.

Illumina Laboratory Services, Illumina
Classification: Benign for Deficiency of isobutyryl-CoA dehydrogenase. Last evaluated: 2018-01-13. Review status: criteria provided, single submitter. Criteria: ICSL Variant Classification Criteria 13 December 2019. Collection method: clinical testing. Allele origin: germline.
Comment: This variant was observed in the ICSL laboratory as part of a predisposition screen in an ostensibly healthy population. It had not been previously curated by ICSL or reported in the Human Gene Mutation Database (HGMD: prior to June 1st, 2018), and was therefore a candidate for classification through an automated scoring system. Utilizing variant allele frequency, disease prevalence and penetrance estimates, and inheritance mode, an automated score was calculated to assess if this variant is too frequent to cause the disease. Based on the score and internal cut-off values, a variant classified as benign is not then subjected to further curation. The score for this variant resulted in a classification of benign for this disease.

Breakthrough Genomics
Classification: Benign. Review status: criteria provided, single submitter. Criteria: ACMG Guidelines, 2015. Collection method: not provided. Allele origin: germline. Inheritance: Autosomal recessive inheritance. Affected: yes.